The following is an entry in ClinVar:

ClinVar aggregate classification (germline): Benign/Likely benign. Review status: criteria provided, multiple submitters, no conflicts (2 of 4 stars). 7 submissions from 7 submitters: Benign (2); Likely benign (2). 3 of the submissions do not count toward it. Last evaluated 2026-09-01.

Conditions:
Hereditary cancer-predisposing syndrome. Also called: Neoplastic Syndromes, Hereditary; Hereditary neoplastic syndrome; Tumor predisposition; Hereditary Cancer Syndrome. Identifiers: Orphanet 140162, MedGen C0027672, MeSH D009386, MONDO:0015356.
Ataxia-telangiectasia syndrome (AT). Also called: Ataxia telangiectasia (A-T); Cerebello-oculocutaneous telangiectasia; Immunodeficiency with ataxia telangiectasia; LOUIS-BAR SYNDROME; AT, COMPLEMENTATION GROUP C; ATAXIA-TELANGIECTASIA, FRESNO VARIANT. Identifiers: Orphanet 100, MedGen C0004135, MONDO:0008840, OMIM 208900.

Allele frequency attached by ClinVar (database versions not stated): gnomAD 0.00314; 1000 Genomes Project 0.00140; 1000 Genomes Project 30x 0.00109; TOPMed 0.00301.
gnomAD v4.1: 6,498 of 1,427,028 alleles (0.46%); highest among the groups gnomAD compares: Non-Finnish European, 0.57%; 29 homozygotes.

Submissions (7):

CeGaT Center for Human Genetics Tuebingen
Classification: Likely benign. Last evaluated: 2026-09-01. Review status: criteria provided, single submitter. Criteria: CeGaT Center For Human Genetics Tuebingen Variant Classification Criteria Version 2. Collection method: clinical testing. Allele origin: germline. Affected: yes. Observed: 18 variant alleles.
Comment: ATM: BS2

Labcorp Genetics (formerly Invitae), Labcorp
Classification: Benign for Ataxia-telangiectasia syndrome. Last evaluated: 2026-01-12. Review status: criteria provided, single submitter. Criteria: Invitae Variant Classification Sherloc (09022015). Collection method: clinical testing. Allele origin: germline.

Sema4
Classification: Likely benign for Hereditary cancer-predisposing syndrome. Last evaluated: 2021-05-24. Review status: criteria provided, single submitter. Criteria: Sema4 Curation Guidelines. Collection method: curation. Allele origin: germline.

Breakthrough Genomics
Classification: Benign. Review status: criteria provided, single submitter. Criteria: ACMG Guidelines, 2015. Collection method: not provided. Allele origin: germline. Inheritance: Autosomal recessive inheritance. Affected: yes.

University of Washington Department of Laboratory Medicine, University of Washington
Classification: Likely benign for Hereditary cancer-predisposing syndrome. Last evaluated: 2015-12-01. Review status: no assertion criteria provided. Collection method: clinical testing. Allele origin: germline. Affected: yes. Not counted in ClinVar's aggregate classification.

Diagnostic Laboratory, Department of Genetics, University Medical Center Groningen
Classification: Likely benign. Review status: no assertion criteria provided. Collection method: clinical testing. Allele origin: germline. Affected: yes. Study: VKGL Data-share Consensus. Not counted in ClinVar's aggregate classification.

Joint Genome Diagnostic Labs from Nijmegen and Maastricht, Radboudumc and MUMC+
Classification: Benign. Review status: no assertion criteria provided. Collection method: clinical testing. Allele origin: germline. Affected: yes. Study: VKGL Data-share Consensus. Not counted in ClinVar's aggregate classification.

NM_000051.4(ATM):c.5918+72A>G

Genes: ATM (ATM serine/threonine kinase; plus strand), C11orf65 (chromosome 11 open reading frame 65; minus strand). Cytogenetic location: 11q22.3.
Variant type: single nucleotide variant.
Coding change: c.5918+72A>G on transcript NM_000051.4 (MANE Select); 72 bases into the intron after coding-DNA position 5918, A replaced by G.
Molecular consequence: intron variant.
Genome position (GRCh38, 1-based): chr11:108,310,387, A>G. VCF-style: chr11-108310387-A-G. GRCh37 (hg19) VCF-style: chr11-108181114-A-G.
Other names: c.5918+72A>G (NM_001351834.2); c.641-1316T>C (NM_001330368.2); c.*39-1316T>C (NM_001351110.2).
Identifiers: ClinVar variation 223472 (VCV000223472.26), dbSNP rs3218694, ClinGen allele CA212327.